The following is an entry in ClinVar:

NM_006031.6(PCNT):c.7252G>A (p.Gly2418Ser)

Gene: PCNT (pericentrin; plus strand). Cytogenetic location: 21q22.3.
Variant type: single nucleotide variant.
Coding change: c.7252G>A on transcript NM_006031.6 (MANE Select); coding-DNA position 7252, G replaced by A.
Protein change: p.Gly2418Ser; replaces glycine 2418 with serine.
Molecular consequence: missense variant.
Genome position (GRCh38, 1-based): chr21:46,425,903, G>A. VCF-style: chr21-46425903-G-A. GRCh37 (hg19) VCF-style: chr21-47845817-G-A.
Other names: c.6898G>A, p.Gly2300Ser (NM_001315529.2); c.7252G>A (NM_006031.5); short protein forms G2418S, G2300S.
Identifiers: ClinVar variation 1370412 (VCV001370412.6), dbSNP rs201389292, ClinGen allele CA10080585.
Genomic context (GRCh38, chr21:46,425,903, plus strand): 5'-ATGGTGCGTGACGAGAGCCACCAGATCCTGGCGCTGTCAGAAGGCCTTGCACCCCCAAGC[G>A]GCGAGCCACACCCACCCCGGAAGGAAGACGAGATACAGGACATCTCGCTCCATGGGGGAA-3'
Protein context (NP_006022.3, residues 2408-2428): ALSEGLAPPS[Gly2418Ser]EPHPPRKEDE

ClinVar aggregate classification (germline): Uncertain significance. Review status: criteria provided, multiple submitters, no conflicts (2 of 4 stars). 2 submissions from 2 submitters: Uncertain significance (2). Last evaluated 2025-06-16.

Conditions:
PCNT-related disorder. Also called: PCNT-related condition.

Allele frequency attached by ClinVar (database versions not stated): ExAC 0.00002; gnomAD exomes 0.00002 and 0.00003; gnomAD 0.00003; TOPMed 0.00003.
gnomAD v4.1: 37 of 1,613,738 alleles (0.0023%); highest among the groups gnomAD compares: South Asian, 0.0055%; no homozygotes.

Submissions (2):

PreventionGenetics, part of Exact Sciences
Classification: Uncertain significance for PCNT-related condition. Last evaluated: 2025-06-16. Review status: criteria provided, single submitter. Criteria: ACMG Guidelines, 2015. Collection method: clinical testing. Allele origin: germline.
Comment: The PCNT c.7252G>A variant is predicted to result in the amino acid substitution p.Gly2418Ser. To our knowledge, this variant has not been reported in the literature. This variant is reported in 0.0054% of alleles in individuals of European (non-Finnish) descent in gnomAD. At this time, the clinical significance of this variant is uncertain due to the absence of conclusive functional and genetic evidence.

Labcorp Genetics (formerly Invitae), Labcorp
Classification: Uncertain significance. Last evaluated: 2022-01-14. Review status: criteria provided, single submitter. Criteria: Invitae Variant Classification Sherloc (09022015). Collection method: clinical testing. Allele origin: germline.
Comment: This sequence change replaces glycine, which is neutral and non-polar, with serine, which is neutral and polar, at codon 2418 of the PCNT protein (p.Gly2418Ser). This variant is present in population databases (rs201389292, gnomAD 0.006%). This variant has not been reported in the literature in individuals affected with PCNT-related conditions. Algorithms developed to predict the effect of missense changes on protein structure and function output the following: SIFT: "Tolerated"; PolyPhen-2: "Benign"; Align-GVGD: "Class C0". The serine amino acid residue is found in multiple mammalian species, which suggests that this missense change does not adversely affect protein function. Algorithms developed to predict the effect of sequence changes on RNA splicing suggest that this variant may create or strengthen a splice site. In summary, the available evidence is currently insufficient to determine the role of this variant in disease. Therefore, it has been classified as a Variant of Uncertain Significance.